The following is an entry in ClinVar:

NM_052859.4(RFT1):c.646C>T (p.Leu216Phe)

Gene: RFT1 (RFT1 glycolipid translocator homolog; minus strand). Cytogenetic location: 3p21.1.
Variant type: single nucleotide variant.
Coding change: c.646C>T on transcript NM_052859.4 (MANE Select); coding-DNA position 646, C replaced by T.
Protein change: p.Leu216Phe; replaces leucine 216 with phenylalanine.
Molecular consequence: missense variant.
Genome position (GRCh38, 1-based): chr3:53,119,934, G>A on the plus strand (C>T on the coding strand, the complement: RFT1 is on the minus strand). VCF-style: chr3-53119934-G-A. GRCh37 (hg19) VCF-style: chr3-53153950-G-A.
Other names: short protein forms L216F.
Identifiers: ClinVar variation 1996954 (VCV001996954.3), dbSNP rs1392560357, ClinGen allele CA353220407.

ClinVar aggregate classification (germline): Uncertain significance (1 of 4 stars; one submission).

Conditions:
RFT1-congenital disorder of glycosylation (CDG1N). Also called: Congenital disorder of glycosylation type In; RFT1-CDG; CDG In. Identifiers: Orphanet 244310, MedGen C2677590, MONDO:0012783, OMIM 612015.

Allele frequency attached by ClinVar (database versions not stated): gnomAD exomes below 0.00001.

Submission:

Labcorp Genetics (formerly Invitae), Labcorp
Classification: Uncertain significance for RFT1-congenital disorder of glycosylation. Last evaluated: 2024-09-30. Review status: criteria provided, single submitter. Criteria: Invitae Variant Classification Sherloc (09022015). Collection method: clinical testing. Allele origin: germline.
Comment: This sequence change replaces leucine, which is neutral and non-polar, with phenylalanine, which is neutral and non-polar, at codon 216 of the RFT1 protein (p.Leu216Phe). This variant is present in population databases (no rsID available, gnomAD 0.003%). This variant has not been reported in the literature in individuals affected with RFT1-related conditions. ClinVar contains an entry for this variant (Variation ID: 1996954). Invitae Evidence Modeling of protein sequence and biophysical properties (such as structural, functional, and spatial information, amino acid conservation, physicochemical variation, residue mobility, and thermodynamic stability) indicates that this missense variant is not expected to disrupt RFT1 protein function with a negative predictive value of 80%. In summary, the available evidence is currently insufficient to determine the role of this variant in disease. Therefore, it has been classified as a Variant of Uncertain Significance.